The following is an entry in ClinVar:

NM_001130438.3(SPTAN1):c.4905+41C>G

Gene: SPTAN1 (spectrin alpha, non-erythrocytic 1; plus strand). Cytogenetic location: 9q34.11.
Variant type: single nucleotide variant.
Coding change: c.4905+41C>G on transcript NM_001130438.3 (MANE Select); 41 bases into the intron after coding-DNA position 4905, C replaced by G.
Molecular consequence: intron variant.
Genome position (GRCh38, 1-based): chr9:128,611,886, C>G. VCF-style: chr9-128611886-C-G. GRCh37 (hg19) VCF-style: chr9-131374165-C-G.
Other names: c.4905+41C>G (NM_001363759.2); c.4890+41C>G (NM_003127.4); c.4845+41C>G (NM_001363765.2); c.4830+41C>G (NM_001195532.2).
Identifiers: ClinVar variation 160013 (VCV000160013.11), dbSNP rs7024498, ClinGen allele CA173572.

ClinVar aggregate classification (germline): Benign. Review status: criteria provided, multiple submitters, no conflicts (2 of 4 stars). 4 submissions from 4 submitters: Benign (3). 1 of the submissions does not count toward it. Last evaluated 2024-07-15.

Allele frequency attached by ClinVar (database versions not stated): gnomAD 0.96844 and 0.97056; ESP Exome Variant Server 0.96886; 1000 Genomes Project 0.96825; gnomAD exomes 0.99259 and 0.99721; 1000 Genomes Project 30x 0.96627; TOPMed 0.96671; ExAC 0.99113.
gnomAD v4.1: 1,605,265 of 1,613,992 alleles (99%); highest among the groups gnomAD compares: East Asian, 100%; 798,689 homozygotes.

Submissions (4):

Unidad de Genómica Garrahan, Hospital de Pediatría Garrahan
Classification: Benign. Last evaluated: 2024-07-15. Review status: criteria provided, single submitter. Criteria: ACMG Guidelines, 2015. Collection method: clinical testing. Allele origin: germline. Affected: no. Observed: 93 variant alleles.
Comment: This variant is classified as Benign based on local population frequency. This variant was detected in 100% of patients studied in a panel designed for Epileptic and Developmental Encephalopathy and Progressive Myoclonus Epilepsy. Number of patients: 93. Only high quality variants are reported.

GeneDx
Classification: Benign. Last evaluated: 2018-06-25. Review status: criteria provided, single submitter. Criteria: GeneDx Variant Classification Process June 2021. Collection method: clinical testing. Allele origin: germline. Affected: yes.

Breakthrough Genomics
Classification: Benign. Review status: criteria provided, single submitter. Criteria: ACMG Guidelines, 2015. Collection method: not provided. Allele origin: germline. Inheritance: Autosomal dominant inheritance. Affected: yes.

Genetic Services Laboratory, University of Chicago
Classification: Likely benign. Review status: no assertion criteria provided. Collection method: clinical testing. Allele origin: germline. Inheritance: Autosomal dominant inheritance. Not counted in ClinVar's aggregate classification.
Comment: Likely benign based on allele frequency in 1000 Genomes Project or ESP global frequency and its presence in a patient with a rare or unrelated disease phenotype. NOT Sanger confirmed